The following is an entry in ClinVar:

ClinVar aggregate classification (germline): Uncertain significance (1 of 4 stars; one submission).

Allele frequency attached by ClinVar (database versions not stated): gnomAD exomes below 0.00001.
gnomAD v4.1: 1 of 1,614,192 alleles (0.000062%); highest among the groups gnomAD compares: South Asian, 0.0011%; no homozygotes.

Submission:

Labcorp Genetics (formerly Invitae), Labcorp
Classification: Uncertain significance. Last evaluated: 2022-12-06. Review status: criteria provided, single submitter. Criteria: Invitae Variant Classification Sherloc (09022015). Collection method: clinical testing. Allele origin: germline.
Comment: This sequence change replaces arginine, which is basic and polar, with histidine, which is basic and polar, at codon 178 of the IDH3A protein (p.Arg178His). This variant is present in population databases (no rsID available, gnomAD 0.003%). This missense change has been observed in individual(s) with retinitis pigmentosa (Invitae). ClinVar contains an entry for this variant (Variation ID: 1003741). Advanced modeling of protein sequence and biophysical properties (such as structural, functional, and spatial information, amino acid conservation, physicochemical variation, residue mobility, and thermodynamic stability) has been performed at Invitae for this missense variant, however the output from this modeling did not meet the statistical confidence thresholds required to predict the impact of this variant on IDH3A protein function. In summary, the available evidence is currently insufficient to determine the role of this variant in disease. Therefore, it has been classified as a Variant of Uncertain Significance.

NM_005530.3(IDH3A):c.533G>A (p.Arg178His)

Gene: IDH3A (isocitrate dehydrogenase (NAD(+)) 3 catalytic subunit alpha; plus strand). Cytogenetic location: 15q25.1.
Variant type: single nucleotide variant.
Coding change: c.533G>A on transcript NM_005530.3 (MANE Select); coding-DNA position 533, G replaced by A.
Protein change: p.Arg178His; replaces arginine 178 with histidine.
Molecular consequence: missense variant.
Genome position (GRCh38, 1-based): chr15:78,162,289, G>A. VCF-style: chr15-78162289-G-A. GRCh37 (hg19) VCF-style: chr15-78454631-G-A.
Other names: short protein forms R178H.
Identifiers: ClinVar variation 1003741 (VCV001003741.6), dbSNP rs1329563873, ClinGen allele CA393542970.